The following is an entry in ClinVar:

ClinVar aggregate classification (germline): Uncertain significance (1 of 4 stars; one submission).

Conditions:
Inborn genetic diseases. Identifiers: MedGen C0950123, MeSH D030342.

Submission:

Ambry Genetics
Classification: Uncertain significance for Inborn genetic diseases. Last evaluated: 2026-01-16. Review status: criteria provided, single submitter. Criteria: Ambry Variant Classification Scheme 2023. Collection method: clinical testing. Allele origin: germline.
Comment: The c.693_694delGCinsTT variant (also known as p.P232S), located in coding exon 2 of the WT1 gene, results from an in-frame deletion of GC and insertion of TT at nucleotide positions 693 to 694. This results in the substitution of the proline residue for a serine residue at codon 232, an amino acid with similar properties. This amino acid position is highly conserved in available vertebrate species. In addition, the in silico prediction for this variant is inconclusive. Based on the available evidence, the clinical significance of this variant remains unclear.

NM_024426.6(WT1):c.708_709delinsTT (p.Pro237Ser)

Gene: WT1 (WT1 transcription factor; minus strand). Cytogenetic location: 11p13.
Variant type: Indel.
Coding change: c.708_709delinsTT on transcript NM_024426.6 (MANE Select); coding-DNA positions 708 to 709, GC replaced by TT.
Protein change: p.Pro237Ser; replaces proline 237 with serine.
Molecular consequence: missense variant. On other transcripts: non-coding transcript variant (2), intron variant (2), 5 prime UTR variant (1).
Genome position (GRCh38, 1-based): chr11:32,428,572-32,428,573, GC replaced by AA on the plus strand (GC replaced by TT on the coding strand, the reverse complement: WT1 is on the minus strand). VCF-style: chr11-32428572-GC-AA. GRCh37 (hg19) VCF-style: chr11-32450118-GC-AA.
Other names: c.57_58delinsTT, p.Pro20Ser (NM_001198551.2, NM_001198552.2); c.708_709delinsTT, p.Pro237Ser (NM_001407044.1, NM_001407045.1, NM_001407046.1 and 4 more transcripts); c.662-515_662-514delinsTT (NM_001407050.1, NM_001407047.1); c.-55_-54delinsTT (NM_001407051.1); c.489_490delinsTT, p.Pro164Ser (NM_001429031.1, NM_001429032.1, NM_001429033.1 and 1 more transcripts); short protein forms P20S, P232S, P237S, P164S.
Identifiers: ClinVar variation 4825389 (VCV004825389.1).
Genomic context (GRCh38, chr11:32,428,572, plus strand): 5'-GGCCCATGGGATCCTCATGCTTGAATGAGTGGTTGGGGAACTGCGCCGCATGGTGCGAGG[GC>AA]GTGTGACCGTAGCTGGGCGTCCCGTCGAAGGTGACCGTGCTGTAACCTGCGGGAGCGGCG-3'
Protein context (NP_077744.4, residues 227-247): FDGTPSYGHT[Pro237Ser]SHHAAQFPNH